The following is an entry in ClinVar:

NM_002528.7(NTHL1):c.387G>A (p.Met129Ile)

Gene: NTHL1 (nth like DNA glycosylase 1; minus strand). Cytogenetic location: 16p13.3.
Variant type: single nucleotide variant.
Coding change: c.387G>A on transcript NM_002528.7 (MANE Select); coding-DNA position 387, G replaced by A.
Protein change: p.Met129Ile; replaces methionine 129 with isoleucine.
Molecular consequence: missense variant. On other transcripts: intron variant (1).
Genome position (GRCh38, 1-based): chr16:2,044,768, C>T on the plus strand (G>A on the coding strand, the complement: NTHL1 is on the minus strand). VCF-style: chr16-2044768-C-T. GRCh37 (hg19) VCF-style: chr16-2094769-C-T.
Other names: c.57G>A, p.Met19Ile (NM_001318194.2); c.355-1042G>A (NM_001318193.2); short protein forms M19I, M129I.
Identifiers: ClinVar variation 954676 (VCV000954676.9), dbSNP rs2084319462, ClinGen allele CA394294638.

ClinVar aggregate classification (germline): Uncertain significance (1 of 4 stars; one submission).

Submission:

Labcorp Genetics (formerly Invitae), Labcorp
Classification: Uncertain significance. Last evaluated: 2025-10-27. Review status: criteria provided, single submitter. Criteria: Invitae Variant Classification Sherloc (09022015). Collection method: clinical testing. Allele origin: germline.
Comment: This sequence change replaces methionine, which is neutral and non-polar, with isoleucine, which is neutral and non-polar, at codon 137 of the NTHL1 protein (p.Met137Ile). This variant is not present in population databases (gnomAD no frequency). This variant has not been reported in the literature in individuals affected with NTHL1-related conditions. ClinVar contains an entry for this variant (Variation ID: 954676). An algorithm developed to predict the effect of missense changes on protein structure and function (PolyPhen-2) suggests that this variant is likely to be disruptive. In summary, the available evidence is currently insufficient to determine the role of this variant in disease. Therefore, it has been classified as a Variant of Uncertain Significance.